The following is an entry in ClinVar:

ClinVar aggregate classification (germline): Uncertain significance (1 of 4 stars; one submission).

Allele frequency attached by ClinVar (database versions not stated): gnomAD exomes below 0.00001; ExAC 0.00001.
gnomAD v4.1: 1 of 1,150,443 alleles (0.000087%); no homozygotes.

Submission:

Labcorp Genetics (formerly Invitae), Labcorp
Classification: Uncertain significance. Last evaluated: 2022-08-21. Review status: criteria provided, single submitter. Criteria: Invitae Variant Classification Sherloc (09022015). Collection method: clinical testing. Allele origin: germline.
Comment: In summary, the available evidence is currently insufficient to determine the role of this variant in disease. Therefore, it has been classified as a Variant of Uncertain Significance. Algorithms developed to predict the effect of missense changes on protein structure and function are either unavailable or do not agree on the potential impact of this missense change (SIFT: "Deleterious"; PolyPhen-2: "Benign"; Align-GVGD: "Class C0"). This variant has not been reported in the literature in individuals affected with POLA1-related conditions. This variant is present in population databases (rs769474913, gnomAD 0.006%). This sequence change replaces histidine, which is basic and polar, with glutamine, which is neutral and polar, at codon 582 of the POLA1 protein (p.His582Gln).

NM_001330360.2(POLA1):c.1764C>G (p.His588Gln)

Gene: POLA1 (DNA polymerase alpha 1, catalytic subunit; plus strand). Cytogenetic location: Xp22.11.
Variant type: single nucleotide variant.
Coding change: c.1764C>G on transcript NM_001330360.2 (MANE Select); coding-DNA position 1764, C replaced by G.
Protein change: p.His588Gln; replaces histidine 588 with glutamine.
Molecular consequence: missense variant. On other transcripts: non-coding transcript variant (2).
Genome position (GRCh38, 1-based): chrX:24,732,447, C>G. VCF-style: chrX-24732447-C-G. GRCh37 (hg19) VCF-style: chrX-24750564-C-G.
Other names: c.1689C>G, p.His563Gln (NM_001378303.1); c.1746C>G, p.His582Gln (NM_016937.4); short protein forms H563Q, H582Q, H588Q.
Identifiers: ClinVar variation 1716355 (VCV001716355.5), dbSNP rs769474913, ClinGen allele CA10373023.